The following is an entry in ClinVar:

ClinVar aggregate classification (germline): Uncertain significance. Review status: criteria provided, multiple submitters, no conflicts (2 of 4 stars). 2 submissions from 2 submitters: Uncertain significance (2). Last evaluated 2023-12-02.

Submissions (2):

Labcorp Genetics (formerly Invitae), Labcorp
Classification: Uncertain significance. Last evaluated: 2023-12-02. Review status: criteria provided, single submitter. Criteria: Invitae Variant Classification Sherloc (09022015). Collection method: clinical testing. Allele origin: germline.
Comment: This sequence change replaces aspartic acid, which is acidic and polar, with histidine, which is basic and polar, at codon 114 of the GABRB1 protein (p.Asp114His). This variant is not present in population databases (gnomAD no frequency). This variant has not been reported in the literature in individuals affected with GABRB1-related conditions. ClinVar contains an entry for this variant (Variation ID: 2001799). Advanced modeling of protein sequence and biophysical properties (such as structural, functional, and spatial information, amino acid conservation, physicochemical variation, residue mobility, and thermodynamic stability) performed at Invitae indicates that this missense variant is not expected to disrupt GABRB1 protein function with a negative predictive value of 80%. In summary, the available evidence is currently insufficient to determine the role of this variant in disease. Therefore, it has been classified as a Variant of Uncertain Significance.

GeneDx
Classification: Uncertain significance. Last evaluated: 2023-03-24. Review status: criteria provided, single submitter. Criteria: GeneDx Variant Classification Process June 2021. Collection method: clinical testing. Allele origin: germline. Affected: yes.
Comment: Not observed at significant frequency in large population cohorts (gnomAD); In silico analysis supports that this missense variant has a deleterious effect on protein structure/function; Has not been previously published as pathogenic or benign to our knowledge

NM_000812.4(GABRB1):c.340G>C (p.Asp114His)

Gene: GABRB1 (gamma-aminobutyric acid type A receptor subunit beta1; plus strand). Cytogenetic location: 4p12.
Variant type: single nucleotide variant.
Coding change: c.340G>C on transcript NM_000812.4 (MANE Select); coding-DNA position 340, G replaced by C.
Protein change: p.Asp114His; replaces aspartic acid 114 with histidine.
Molecular consequence: missense variant.
Genome position (GRCh38, 1-based): chr4:47,161,348, G>C. VCF-style: chr4-47161348-G-C. GRCh37 (hg19) VCF-style: chr4-47163365-G-C.
Other names: c.340G>C (NM_000812.3); short protein forms D114H.
Identifiers: ClinVar variation 2001799 (VCV002001799.5), dbSNP rs2475342398, ClinGen allele CA356805914.
Genomic context (GRCh38, chr4:47,161,348, plus strand): 5'-GACAAAAGGCTTTCTTATTCTGGAATCCCACTGAACCTCACCCTAGACAATAGGGTAGCT[G>C]ACCAACTCTGGGTACCAGACACCTACTTTCTGAATGACAAGAAATCATTTGTGCATGGGG-3'
Protein context (NP_000803.2, residues 104-124): LNLTLDNRVA[Asp114His]QLWVPDTYFL